The following is an entry in ClinVar:

ClinVar aggregate classification (germline): Conflicting classifications of pathogenicity. Review status: criteria provided, conflicting classifications (1 of 4 stars). 2 submissions from 2 submitters: Uncertain significance (1); Likely benign (1). Last evaluated 2025-01-23.

Conditions:
Hereditary nonpolyposis colorectal neoplasms. Identifiers: MedGen C0009405, MeSH D003123.
Hereditary cancer-predisposing syndrome. Also called: Hereditary neoplastic syndrome; Tumor predisposition; Neoplastic Syndromes, Hereditary; Hereditary Cancer Syndrome. Identifiers: Orphanet 140162, MedGen C0027672, MeSH D009386, MONDO:0015356.

Allele frequency attached by ClinVar (database versions not stated): gnomAD exomes below 0.00001.
gnomAD v4.1: 1 of 1,611,676 alleles (0.000062%); highest among the groups gnomAD compares: Non-Finnish European, 0.000085%; no homozygotes.

Submissions (2):

Labcorp Genetics (formerly Invitae), Labcorp
Classification: Likely benign for Hereditary nonpolyposis colorectal neoplasms. Last evaluated: 2025-01-23. Review status: criteria provided, single submitter. Criteria: Invitae Variant Classification Sherloc (09022015). Collection method: clinical testing. Allele origin: germline.

Ambry Genetics
Classification: Uncertain significance for Hereditary cancer-predisposing syndrome. Last evaluated: 2021-11-06. Review status: criteria provided, single submitter. Criteria: Ambry Variant Classification Scheme 2023. Collection method: clinical testing. Allele origin: germline.
Comment: The p.S28P variant (also known as c.82T>C), located in coding exon 1 of the MSH6 gene, results from a T to C substitution at nucleotide position 82. The serine at codon 28 is replaced by proline, an amino acid with similar properties. This amino acid position is well conserved in available vertebrate species. In addition, this alteration is predicted to be tolerated by in silico analysis. Since supporting evidence is limited at this time, the clinical significance of this alteration remains unclear.

NM_000179.3(MSH6):c.82T>C (p.Ser28Pro)

Gene: MSH6 (mutS homolog 6; plus strand). Cytogenetic location: 2p16.3.
Variant type: single nucleotide variant.
Coding change: c.82T>C on transcript NM_000179.3 (MANE Select); coding-DNA position 82, T replaced by C.
Protein change: p.Ser28Pro; replaces serine 28 with proline.
Molecular consequence: missense variant. On other transcripts: 5 prime UTR variant (1).
Genome position (GRCh38, 1-based): chr2:47,783,315, T>C. VCF-style: chr2-47783315-T-C. GRCh37 (hg19) VCF-style: chr2-48010454-T-C.
Other names: c.82T>C, p.Ser28Pro (NM_001281492.2); c.-655T>C (NM_001281493.2); short protein forms S28P.
Identifiers: ClinVar variation 655738 (VCV000655738.11), dbSNP rs1223620783, ClinGen allele CA346734803.
Genomic context (GRCh38, chr2:47,783,315, plus strand): 5'-TACAGCTTCTTCCCCAAGTCTCCGGCGCTGAGTGATGCCAACAAGGCCTCGGCCAGGGCC[T>C]CACGCGAAGGCGGCCGTGCCGCCGCTGCCCCCGGGGCCTCTCCTTCCCCAGGCGGGGATG-3'
Protein context (NP_000170.1, residues 18-38): SDANKASARA[Ser28Pro]REGGRAAAAP